The following is an entry in ClinVar:

ClinVar aggregate classification (germline): Uncertain significance (1 of 4 stars; one submission).

gnomAD v4.1: 2 of 1,612,754 alleles (0.00012%); highest among the groups gnomAD compares: South Asian, 0.0011%; no homozygotes.

Submission:

Ambry Genetics
Classification: Uncertain significance. Last evaluated: 2024-05-26. Review status: criteria provided, single submitter. Criteria: Ambry Variant Classification Scheme 2023. Collection method: clinical testing. Allele origin: germline.
Comment: The p.G2934R variant (also known as c.8800G>A), located in coding exon 64 of the PRKDC gene, results from a G to A substitution at nucleotide position 8800. The glycine at codon 2934 is replaced by arginine, an amino acid with dissimilar properties. This amino acid position is conserved. In addition, this alteration is predicted to be deleterious by in silico analysis. Based on the available evidence, the clinical significance of this variant remains unclear.

NM_006904.7(PRKDC):c.8800G>A (p.Gly2934Arg)

Gene: PRKDC (protein kinase, DNA-activated, catalytic subunit; minus strand). Cytogenetic location: 8q11.21.
Variant type: single nucleotide variant.
Coding change: c.8800G>A on transcript NM_006904.7 (MANE Select); coding-DNA position 8800, G replaced by A.
Protein change: p.Gly2934Arg; replaces glycine 2934 with arginine.
Molecular consequence: missense variant.
Genome position (GRCh38, 1-based): chr8:47,823,980, C>T on the plus strand (G>A on the coding strand, the complement: PRKDC is on the minus strand). VCF-style: chr8-47823980-C-T. GRCh37 (hg19) VCF-style: chr8-48736541-C-T.
Other names: c.8800G>A, p.Gly2934Arg (NM_001081640.2); short protein forms G2934R.
Identifiers: ClinVar variation 3310163 (VCV003310163.1).